The following is an entry in ClinVar:

ClinVar aggregate classification (germline): Uncertain significance (1 of 4 stars; one submission).

Conditions:
Congenital myasthenic syndrome 8. Also called: MYASTHENIC SYNDROME, CONGENITAL, DUE TO AGRIN DEFICIENCY; Myasthenic syndrome, congenital, 8, with pre- and postsynaptic defects. Identifiers: Orphanet 590, MedGen C3808739, MONDO:0014052, OMIM 615120.

gnomAD v4.1: 8 of 1,613,024 alleles (0.0005%); highest among the groups gnomAD compares: African/African-American, 0.0027%; no homozygotes.

Submission:

Kariminejad - Najmabadi Pathology & Genetics Center
Classification: Uncertain significance for Congenital myasthenic syndrome 8. Last evaluated: 2019-01-27. Review status: criteria provided, single submitter. Criteria: ACMG Guidelines, 2015. Collection method: clinical testing. Allele origin: germline. Inheritance: Autosomal recessive inheritance. Affected: yes. Observed: 2 variant alleles.
Comment: PM2,PM3,PP3, PP4

NM_198576.4(AGRN):c.418C>T (p.Arg140Trp)

Genes: AGRN (agrin; plus strand), LOC126805576 (P300/CBP strongly-dependent group 1 enhancer GRCh37_chr1:956772-957971; plus strand). Cytogenetic location: 1p36.33.
Variant type: single nucleotide variant.
Coding change: c.418C>T on transcript NM_198576.4 (MANE Select); coding-DNA position 418, C replaced by T.
Protein change: p.Arg140Trp; replaces arginine 140 with tryptophan.
Molecular consequence: missense variant.
Genome position (GRCh38, 1-based): chr1:1,022,417, C>T. VCF-style: chr1-1022417-C-T. GRCh37 (hg19) VCF-style: chr1-957797-C-T.
Other names: c.418C>T, p.Arg140Trp (NM_001305275.2); short protein forms R140W.
Identifiers: ClinVar variation 3896772 (VCV003896772.1).
Genomic context (GRCh38, chr1:1,022,417, plus strand): 5'-GCACCCCCATACCTGTGGCCAGCCCACAAGAACGAGCTGATGCTCAACTCCAGCCTCATG[C>T]GGATCACCCTGCGGAACCTGGAGGAGGTGGAGTTCTGTGTGGAAGGTGCGTGGTGGGGGG-3'
Protein context (NP_940978.2, residues 130-150): NELMLNSSLM[Arg140Trp]ITLRNLEEVE